The following is an entry in ClinVar:

ClinVar aggregate classification (germline): Pathogenic. Review status: criteria provided, multiple submitters, no conflicts (2 of 4 stars). 2 submissions from 2 submitters: Pathogenic (2). Last evaluated 2025-11-13.

Conditions:
Inborn genetic diseases. Identifiers: MedGen C0950123, MeSH D030342.
Aniridia 1 (AN1). Identifiers: Orphanet 250923, MedGen C0344542, MONDO:0024507, OMIM 106210.
Irido-corneo-trabecular dysgenesis (ASGD5). Also called: ANTERIOR SEGMENT DYSGENESIS 5. Identifiers: Orphanet 708, MedGen C0344559, MONDO:0011414, OMIM 604229, HP:0000659.

Submissions (2):

Ambry Genetics
Classification: Pathogenic for Inborn genetic diseases. Last evaluated: 2025-11-13. Review status: criteria provided, single submitter. Criteria: Ambry Variant Classification Scheme 2023. Collection method: clinical testing. Allele origin: germline.
Comment: The c.120C>A (p.C40*) alteration, located in exon 5 (coding exon 2) of the PAX6 gene, consists of a C to A substitution at nucleotide position 120. This changes the amino acid from a cysteine (C) to a stop codon at amino acid position 40. This alteration is expected to result in loss of function by premature protein truncation or nonsense-mediated mRNA decay. This variant was not reported in population-based cohorts in the Genome Aggregation Database (gnomAD). This variant was reported in individuals with features consistent with PAX6-related ophthalmological disorder (Vincent, 2003; Neethirajan, 2004; Jiang, 2024). Note, this variant is also referred to as c.482C>A in the literature. Based on the available evidence, this alteration is classified as pathogenic.

Labcorp Genetics (formerly Invitae), Labcorp
Classification: Pathogenic for Aniridia 1; Irido-corneo-trabecular dysgenesis. Last evaluated: 2024-10-11. Review status: criteria provided, single submitter. Criteria: Invitae Variant Classification Sherloc (09022015). Collection method: clinical testing. Allele origin: germline.
Comment: This sequence change creates a premature translational stop signal (p.Cys40*) in the PAX6 gene. It is expected to result in an absent or disrupted protein product. Loss-of-function variants in PAX6 are known to be pathogenic (PMID: 12634864). This variant is not present in population databases (gnomAD no frequency). This premature translational stop signal has been observed in individual(s) with aniridia (PMID: 12634864, 15086958, 17417613, 21850189). Invitae Evidence Modeling of clinical and family history, age, sex, and reported ancestry of multiple individuals with this PAX6 variant has been performed. This variant is expected to be pathogenic with a positive predictive value of at least 99%. This is a validated machine learning model that incorporates the clinical features of 10,718 individuals referred to our laboratory for PAX6 testing. This variant is also known as c.482C>A (C40X). ClinVar contains an entry for this variant (Variation ID: 460456). For these reasons, this variant has been classified as Pathogenic.

Literature cited by the submitters: PubMed 12634864 (cited by Ambry Genetics and Labcorp Genetics (formerly Invitae), Labcorp); PubMed 15086958 (cited by Ambry Genetics and Labcorp Genetics (formerly Invitae), Labcorp); PubMed 39212610 (cited by Ambry Genetics); PubMed 17417613 (cited by Labcorp Genetics (formerly Invitae), Labcorp); PubMed 21850189 (cited by Labcorp Genetics (formerly Invitae), Labcorp).

NM_001368894.2(PAX6):c.120C>A (p.Cys40Ter)

Gene: PAX6 (paired box 6; minus strand). Cytogenetic location: 11p13.
Variant type: single nucleotide variant.
Coding change: c.120C>A on transcript NM_001368894.2 (MANE Select); coding-DNA position 120, C replaced by A.
Protein change: p.Cys40Ter; replaces cysteine 40 with a stop codon.
Molecular consequence: nonsense. On other transcripts: 5 prime UTR variant (12), non-coding transcript variant (2), intron variant (2).
Genome position (GRCh38, 1-based): chr11:31,802,725, G>T on the plus strand (C>A on the coding strand, the complement: PAX6 is on the minus strand). VCF-style: chr11-31802725-G-T. GRCh37 (hg19) VCF-style: chr11-31824273-G-T.
Other names: c.120C>A, p.Cys40Ter (NM_000280.6, NM_001127612.3, NM_001258462.3 and 30 more transcripts); c.-662C>A (NM_001310160.2, NM_001368905.2); c.-331C>A (NM_001310161.3, NM_001368900.2, NM_001368903.2 and 2 more transcripts); c.-289C>A (NM_001368899.2, NM_001368901.2, NM_001368906.2 and 1 more transcripts); c.-620C>A (NM_001368902.2); c.363C>A, p.Cys121Ter (NM_001368910.2); c.123C>A, p.Cys41Ter (NM_001368911.2); c.-267-949C>A (NM_001368909.2, NM_001368904.2); and 1 more; short protein forms C40*, C121*, C41*.
Identifiers: ClinVar variation 460456 (VCV000460456.9), dbSNP rs1329112134, ClinGen allele CA379959502.
Genomic context (GRCh38, chr11:31,802,725, plus strand): 5'-CCGCGGGGGCGGCGAGTGGGGCGGCGCCGGGAGGATCACCTGCAGAATTCGGGAAATGTC[G>T]CACGGCCGGGCCCCGCTGTGAGCTAGCTCTACAATCTTCTGCCGGGTGGAGTCCGGCAGT-3'